The following is an entry in ClinVar:

ClinVar aggregate classification (germline): Uncertain significance. Review status: criteria provided, multiple submitters, no conflicts (2 of 4 stars). 2 submissions from 2 submitters: Uncertain significance (2). Last evaluated 2025-09-15.

Conditions:
Inborn genetic diseases. Identifiers: MedGen C0950123, MeSH D030342.

Allele frequency attached by ClinVar (database versions not stated): gnomAD 0.00006 and 0.00007; TOPMed 0.00011; gnomAD exomes 0.00001 and 0.00002; ExAC 0.00003.

Submissions (2):

GeneDx
Classification: Uncertain significance. Last evaluated: 2025-09-15. Review status: criteria provided, single submitter. Criteria: GeneDx Variant Classification Process June 2021. Collection method: clinical testing. Allele origin: germline. Affected: yes.
Comment: In-frame deletion of 5 amino acids and insertion of 1 amino acid in a non-repeat region; In silico analysis supports a deleterious effect on protein structure/function; Has not been previously published as pathogenic or benign to our knowledge

Ambry Genetics
Classification: Uncertain significance for Inborn genetic diseases. Last evaluated: 2021-10-21. Review status: criteria provided, single submitter. Criteria: Ambry Variant Classification Scheme 2023. Collection method: clinical testing. Allele origin: germline.
Comment: The c.3734_3745del12 (p.G1245_L1249delinsV) alteration is located in exon 24 (coding exon 23) of the HERC2 gene. This alteration consists of an in-frame deletion of 12 nucleotides between nucleotide positions c.3734 and c.3745, resulting in the deletion of 4 residues. Based on insufficient or conflicting evidence, the clinical significance of this alteration remains unclear.

NM_004667.6(HERC2):c.3734_3745del (p.Gly1245_Leu1249delinsVal)

Gene: HERC2 (HECT and RLD domain containing E3 ubiquitin protein ligase 2; minus strand). Cytogenetic location: 15q13.1.
Variant type: Deletion.
Coding change: c.3734_3745del on transcript NM_004667.6 (MANE Select); coding-DNA positions 3734 to 3745, 12 bases deleted (GAAATAGTATTC).
Protein change: p.Gly1245_Leu1249delinsVal.
Molecular consequence: inframe indel.
Genome position (GRCh38, 1-based): chr15:28,238,605-28,238,616, GAATACTATTTC deleted on the plus strand (GAAATAGTATTC on the coding strand, the reverse complement: HERC2 is on the minus strand). VCF-style (leftmost placement, unchanged base first): chr15-28238604-AGAATACTATTTC-A. GRCh37 (hg19) VCF-style: chr15-28483750-AGAATACTATTTC-A.
Other names: c.3734_3745delGAAATAGTATTC (NM_004667.5); c.3734_3745del (NM_004667.5); c.3734_3745del12 (NM_004667.4).
Identifiers: ClinVar variation 1185846 (VCV001185846.6), dbSNP rs774838885, ClinGen allele CA7442835.